The following is an entry in ClinVar:

ClinVar aggregate classification (germline): Uncertain significance. Review status: criteria provided, multiple submitters, no conflicts (2 of 4 stars). 2 submissions from 2 submitters: Uncertain significance (2). Last evaluated 2024-05-21.

Conditions:
Perlman syndrome (PRLMNS). Identifiers: Orphanet 2849, MedGen C0796113, MONDO:0009965, OMIM 267000.

Submissions (2):

Labcorp Genetics (formerly Invitae), Labcorp
Classification: Uncertain significance for Perlman syndrome. Last evaluated: 2024-05-21. Review status: criteria provided, single submitter. Criteria: Invitae Variant Classification Sherloc (09022015). Collection method: clinical testing. Allele origin: germline.
Comment: This sequence change replaces alanine, which is neutral and non-polar, with glycine, which is neutral and non-polar, at codon 83 of the DIS3L2 protein (p.Ala83Gly). This variant is not present in population databases (gnomAD no frequency). This variant has not been reported in the literature in individuals affected with DIS3L2-related conditions. ClinVar contains an entry for this variant (Variation ID: 861749). Advanced modeling of protein sequence and biophysical properties (such as structural, functional, and spatial information, amino acid conservation, physicochemical variation, residue mobility, and thermodynamic stability) performed at Invitae indicates that this missense variant is not expected to disrupt DIS3L2 protein function with a negative predictive value of 80%. In summary, the available evidence is currently insufficient to determine the role of this variant in disease. Therefore, it has been classified as a Variant of Uncertain Significance.

Breakthrough Genomics
Classification: Uncertain significance. Review status: criteria provided, single submitter. Criteria: ACMG Guidelines, 2015. Collection method: not provided. Allele origin: germline. Inheritance: Autosomal recessive inheritance. Affected: yes.

NM_152383.5(DIS3L2):c.248C>G (p.Ala83Gly)

Gene: DIS3L2 (DIS3 like 3'-5' exoribonuclease 2; plus strand). Cytogenetic location: 2q37.1.
Variant type: single nucleotide variant.
Coding change: c.248C>G on transcript NM_152383.5 (MANE Select); coding-DNA position 248, C replaced by G.
Protein change: p.Ala83Gly; replaces alanine 83 with glycine.
Molecular consequence: missense variant. On other transcripts: non-coding transcript variant (2).
Genome position (GRCh38, 1-based): chr2:232,024,314, C>G. VCF-style: chr2-232024314-C-G. GRCh37 (hg19) VCF-style: chr2-232889024-C-G.
Other names: c.248C>G, p.Ala83Gly (NM_001257281.2, NM_001257282.2); short protein forms A83G.
Identifiers: ClinVar variation 861749 (VCV000861749.10), dbSNP rs113426398, ClinGen allele CA67500149.
Genomic context (GRCh38, chr2:232,024,314, plus strand): 5'-AAACTTTATTTTTTGTTTTAAAGGGTGTATTGAGAATTAATCCAAAGAAGTTTCATGAAG[C>G]CTTCATTCCTTCCCCGGTAAGTTCAATAAATTTATAATAAACTTTATGTCACATTTAATT-3'
Protein context (NP_689596.4, residues 73-93): LRINPKKFHE[Ala83Gly]FIPSPDGDRD